The following is an entry in ClinVar:

ClinVar aggregate classification (germline): Uncertain significance (1 of 4 stars; one submission).

Conditions:
Arrhythmogenic right ventricular dysplasia 9 (ARVD9). Also called: Arrhythmogenic Right Ventricular Dysplasia/Cardiomyopathy 9; ARRHYTHMOGENIC RIGHT VENTRICULAR DYSPLASIA, FAMILIAL, 9. Identifiers: MedGen C1836906, MONDO:0012180, OMIM 609040.

Submission:

Labcorp Genetics (formerly Invitae), Labcorp
Classification: Uncertain significance for Arrhythmogenic right ventricular dysplasia 9. Last evaluated: 2024-11-11. Review status: criteria provided, single submitter. Criteria: Invitae Variant Classification Sherloc (09022015). Collection method: clinical testing. Allele origin: germline.
Comment: This sequence change replaces methionine, which is neutral and non-polar, with lysine, which is basic and polar, at codon 359 of the PKP2 protein (p.Met359Lys). This variant is not present in population databases (gnomAD no frequency). This variant has not been reported in the literature in individuals affected with PKP2-related conditions. An algorithm developed to predict the effect of missense changes on protein structure and function (PolyPhen-2) suggests that this variant is likely to be tolerated. In summary, the available evidence is currently insufficient to determine the role of this variant in disease. Therefore, it has been classified as a Variant of Uncertain Significance.

NM_001005242.3(PKP2):c.1076T>A (p.Met359Lys)

Gene: PKP2 (plakophilin 2; minus strand). Cytogenetic location: 12p11.21.
Variant type: single nucleotide variant.
Coding change: c.1076T>A on transcript NM_001005242.3 (MANE Select); coding-DNA position 1076, T replaced by A.
Protein change: p.Met359Lys; replaces methionine 359 with lysine.
Molecular consequence: missense variant.
Genome position (GRCh38, 1-based): chr12:32,869,021, A>T on the plus strand (T>A on the coding strand, the complement: PKP2 is on the minus strand). VCF-style: chr12-32869021-A-T. GRCh37 (hg19) VCF-style: chr12-33021955-A-T.
Other names: c.1076T>A, p.Met359Lys (NM_004572.4, NM_001407155.1, NM_001407156.1 and 2 more transcripts); c.749T>A, p.Met250Lys (NM_001407158.1, NM_001407159.1, NM_001407160.1 and 1 more transcripts); short protein forms M250K, M359K.
Identifiers: ClinVar variation 3621473 (VCV003621473.2).